The following is an entry in ClinVar:

NM_001148.6(ANK2):c.3446A>G (p.Gln1149Arg)

Gene: ANK2 (ankyrin 2; plus strand). Cytogenetic location: 4q26.
Variant type: single nucleotide variant.
Coding change: c.3446A>G on transcript NM_001148.6 (MANE Select); coding-DNA position 3446, A replaced by G.
Protein change: p.Gln1149Arg; replaces glutamine 1149 with arginine.
Molecular consequence: missense variant.
Genome position (GRCh38, 1-based): chr4:113,335,912, A>G. VCF-style: chr4-113335912-A-G. GRCh37 (hg19) VCF-style: chr4-114257068-A-G.
Other names: c.3419A>G, p.Gln1140Arg (NM_001127493.3); c.3458A>G, p.Gln1153Arg (NM_001354225.2); c.3347A>G, p.Gln1116Arg (NM_001354228.2, NM_001354258.2); c.3425A>G, p.Gln1142Arg (NM_001354230.2); c.3488A>G, p.Gln1163Arg (NM_001354231.2, NM_001354242.2); c.3482A>G, p.Gln1161Arg (NM_001354232.2); c.3443A>G, p.Gln1148Arg (NM_001354235.2, NM_001354246.2, NM_001354265.2); c.3344A>G, p.Gln1115Arg (NM_001354236.2); and 30 more; short protein forms Q1074R, Q1078R, Q1142R, Q1148R, Q1163R, Q325R, Q1049R, Q1095R.
Identifiers: ClinVar variation 1485536 (VCV001485536.6), dbSNP rs1226848625, ClinGen allele CA357937477.
Genomic context (GRCh38, chr4:113,335,912, plus strand): 5'-ATAGCCCAGAAGACCTAGAAAAGAAACGAATCTGCCGCATCATCACCCGAGACTTCCCAC[A>G]GTACTTTGCAGTGGTGTCTCGTATCAAACAGGACAGCAATCTGATTGGCCCAGAAGGAGG-3'
Protein context (NP_001139.3, residues 1139-1159): ICRIITRDFP[Gln1149Arg]YFAVVSRIKQ

ClinVar aggregate classification (germline): Uncertain significance (1 of 4 stars; one submission).

Conditions:
Long QT syndrome (LQTS). Identifiers: MedGen C0023976, MeSH D008133, MONDO:0002442. Disease mechanism: loss of function. Inheritance: Various modes of inheritance.

Allele frequency attached by ClinVar (database versions not stated): gnomAD exomes below 0.00001.
gnomAD v4.1: 1 of 1,614,214 alleles (0.000062%); highest among the groups gnomAD compares: Non-Finnish European, 0.000085%; no homozygotes.

Submission:

Labcorp Genetics (formerly Invitae), Labcorp
Classification: Uncertain significance for Long QT syndrome. Last evaluated: 2021-08-30. Review status: criteria provided, single submitter. Criteria: Invitae Variant Classification Sherloc (09022015). Collection method: clinical testing. Allele origin: germline.
Comment: This sequence change replaces glutamine with arginine at codon 1149 of the ANK2 protein (p.Gln1149Arg). The glutamine residue is highly conserved and there is a small physicochemical difference between glutamine and arginine. This variant is not present in population databases (ExAC no frequency). This variant has not been reported in the literature in individuals affected with ANK2-related conditions. Algorithms developed to predict the effect of missense changes on protein structure and function are either unavailable or do not agree on the potential impact of this missense change (SIFT: "Deleterious"; PolyPhen-2: "Possibly Damaging"; Align-GVGD: "Class C0"). In summary, the available evidence is currently insufficient to determine the role of this variant in disease. Therefore, it has been classified as a Variant of Uncertain Significance.